The following is an entry in ClinVar:

NM_022489.4(INF2):c.1151A>T (p.Glu384Val)

Gene: INF2 (inverted formin 2; plus strand). Cytogenetic location: 14q32.33.
Variant type: single nucleotide variant.
Coding change: c.1151A>T on transcript NM_022489.4 (MANE Select); coding-DNA position 1151, A replaced by T.
Protein change: p.Glu384Val; replaces glutamic acid 384 with valine.
Molecular consequence: missense variant.
Genome position (GRCh38, 1-based): chr14:104,707,418, A>T. VCF-style: chr14-104707418-A-T. GRCh37 (hg19) VCF-style: chr14-105173755-A-T.
Other names: c.1151A>T, p.Glu384Val (NM_001031714.4); short protein forms E384V.
Identifiers: ClinVar variation 1734107 (VCV001734107.2), dbSNP rs2541918001, ClinGen allele CA391215961.

ClinVar aggregate classification (germline): Uncertain significance (1 of 4 stars; one submission).

Conditions:
Inborn genetic diseases. Identifiers: MedGen C0950123, MeSH D030342.

Submission:

Ambry Genetics
Classification: Uncertain significance for Inborn genetic diseases. Last evaluated: 2021-07-13. Review status: criteria provided, single submitter. Criteria: Ambry Variant Classification Scheme 2023. Collection method: clinical testing. Allele origin: germline.
Comment: The p.E384V variant (also known as c.1151A>T), located in coding exon 7 of the INF2 gene, results from an A to T substitution at nucleotide position 1151. The glutamic acid at codon 384 is replaced by valine, an amino acid with dissimilar properties. This amino acid position is conserved. In addition, this alteration is predicted to be tolerated by in silico analysis. Since supporting evidence is limited at this time, the clinical significance of this alteration remains unclear.